The following is an entry in ClinVar:

ClinVar aggregate classification (germline): Pathogenic (1 of 4 stars; one submission).

Conditions:
Angelman syndrome-like. Identifiers: MedGen CN128785.
Developmental and epileptic encephalopathy, 2 (DEE2). Also called: INFANTILE SPASM SYNDROME, X-LINKED 2; CDKL5 deficiency disorder. Identifiers: Orphanet 1934, Orphanet 3451, Orphanet 505652, MedGen C4750718, MONDO:0010396, OMIM 300672.

Submission:

Labcorp Genetics (formerly Invitae), Labcorp
Classification: Pathogenic for Developmental and epileptic encephalopathy, 2; Angelman syndrome-like. Last evaluated: 2023-05-01. Review status: criteria provided, single submitter. Criteria: Invitae Variant Classification Sherloc (09022015). Collection method: clinical testing. Allele origin: unknown.
Comment: For these reasons, this variant has been classified as Pathogenic. A similar copy number variant has been observed in individual(s) with CDKL5-related conditions (PMID: 22832775). This variant is a gross deletion of the genomic region encompassing exon(s) 2 of the CDKL5 gene, which includes the initiator codon. This deletion extends beyond the assayed region for this gene and therefore may encompass additional genes. It is expected to result in an absent or disrupted protein product. Loss-of-function variants in CDKL5 are known to be pathogenic (PMID: 22872100).

Literature cited by the submitters: PubMed 22832775; PubMed 22872100.

NC_000023.10:g.(?_18525053)_(18525300_?)del

Gene: CDKL5 (cyclin dependent kinase like 5; plus strand). Cytogenetic location: Xp22.13.
Variant type: Deletion.
Identifiers: ClinVar variation 3244260 (VCV003244260.1).